The following is an entry in ClinVar:

NM_002474.3(MYH11):c.3374A>G (p.Glu1125Gly)

Gene: MYH11 (myosin heavy chain 11; minus strand). Cytogenetic location: 16p13.11.
Variant type: single nucleotide variant.
Coding change: c.3374A>G on transcript NM_002474.3 (MANE Select); coding-DNA position 3374, A replaced by G.
Protein change: p.Glu1125Gly; replaces glutamic acid 1125 with glycine.
Molecular consequence: missense variant.
Genome position (GRCh38, 1-based): chr16:15,735,498, T>C on the plus strand (A>G on the coding strand, the complement: MYH11 is on the minus strand). VCF-style: chr16-15735498-T-C. GRCh37 (hg19) VCF-style: chr16-15829355-T-C.
Other names: c.3395A>G, p.Glu1132Gly (NM_001040113.2, NM_001040114.2); c.3374A>G, p.Glu1125Gly (NM_022844.3); short protein forms E1132G, E1125G.
Identifiers: ClinVar variation 3915411 (VCV003915411.1).

ClinVar aggregate classification (germline): Uncertain significance (1 of 4 stars; one submission).

Conditions:
Familial thoracic aortic aneurysm and aortic dissection (TAAD). Also called: Thoracic aortic aneurysms and dissections. Identifiers: Orphanet 91387, MedGen C4707243, MONDO:0019625.

Submission:

Ambry Genetics
Classification: Uncertain significance for Familial thoracic aortic aneurysm and aortic dissection. Last evaluated: 2025-03-25. Review status: criteria provided, single submitter. Criteria: Ambry Variant Classification Scheme 2023. Collection method: clinical testing. Allele origin: germline.
Comment: The p.E1125G variant (also known as c.3374A>G), located in coding exon 25 of the MYH11 gene, results from an A to G substitution at nucleotide position 3374. The glutamic acid at codon 1125 is replaced by glycine, an amino acid with similar properties. This amino acid position is conserved. In addition, this alteration is predicted to be deleterious by in silico analysis. Based on the available evidence, the clinical significance of this variant remains unclear.